The following is an entry in ClinVar:

ClinVar aggregate classification (germline): Conflicting classifications of pathogenicity. Review status: criteria provided, conflicting classifications (1 of 4 stars). 6 submissions from 6 submitters: Uncertain significance (5); Likely benign (1). Last evaluated 2025-11-08.

Conditions:
Autosomal recessive limb-girdle muscular dystrophy type 2K. Also called: MUSCULAR DYSTROPHY-DYSTROGLYCANOPATHY (LIMB-GIRDLE), TYPE C, 1; MUSCULAR DYSTROPHY, LIMB-GIRDLE, TYPE 2K. Identifiers: Orphanet 86812, MedGen C1836373, MONDO:0012248, OMIM 609308.
Muscular dystrophy-dystroglycanopathy (congenital with impaired intellectual development), type B, 1. Also called: Muscular dystrophy-dystroglycanopathy (congenital with intellectual disability), type B1; MUSCULAR DYSTROPHY, CONGENITAL, POMT1-RELATED. Identifiers: MedGen C5436962, MONDO:0013159, OMIM 613155.
Walker-Warburg congenital muscular dystrophy. Also called: Muscular dystrophy-dystroglycanopathy, type A; Walker-Warburg syndrome. Identifiers: Orphanet 899, MedGen C0265221, MONDO:0000171.
Inborn genetic diseases. Identifiers: MedGen C0950123, MeSH D030342.

Allele frequency attached by ClinVar (database versions not stated): 1000 Genomes Project 0.00040; gnomAD 0.00008 and 0.00009; gnomAD exomes 0.00010; 1000 Genomes Project 30x 0.00047; ExAC 0.00005; TOPMed 0.00010.

Submissions (6):

Labcorp Genetics (formerly Invitae), Labcorp
Classification: Likely benign for Muscular dystrophy-dystroglycanopathy (congenital with impaired intellectual development), type B, 1; Walker-Warburg congenital muscular dystrophy; Autosomal recessive limb-girdle muscular dystrophy type 2K. Last evaluated: 2025-11-08. Review status: criteria provided, single submitter. Criteria: Invitae Variant Classification Sherloc (09022015). Collection method: clinical testing. Allele origin: germline.

Ambry Genetics
Classification: Uncertain significance for Inborn genetic diseases. Last evaluated: 2025-10-28. Review status: criteria provided, single submitter. Criteria: Ambry Variant Classification Scheme 2023. Collection method: clinical testing. Allele origin: germline.

GeneDx
Classification: Uncertain significance. Last evaluated: 2024-05-20. Review status: criteria provided, single submitter. Criteria: GeneDx Variant Classification Process June 2021. Collection method: clinical testing. Allele origin: germline. Affected: yes.
Comment: In silico analysis indicates that this missense variant does not alter protein structure/function; Has not been previously published as pathogenic or benign to our knowledge; In silico analysis suggests this variant may impact gene splicing. In the absence of RNA/functional studies, the actual effect of this sequence change is unknown.; This variant is associated with the following publications: (PMID: 22549409)

Blueprint Genetics
Classification: Uncertain significance. Last evaluated: 2023-05-19. Review status: criteria provided, single submitter. Criteria: ACMG Guidelines, 2015. Collection method: clinical testing. Allele origin: germline.

Revvity Omics, Revvity
Classification: Uncertain significance. Last evaluated: 2022-10-28. Review status: criteria provided, single submitter. Criteria: ACMG Guidelines, 2015. Collection method: clinical testing. Allele origin: germline.

Eurofins Ntd Llc (ga)
Classification: Uncertain significance. Last evaluated: 2018-04-02. Review status: criteria provided, single submitter. Criteria: EGL ClinVar v180209 classification definitions. Collection method: clinical testing. Allele origin: germline. Observed: 1 variant allele, 1 heterozygote.

NM_001077365.2(POMT1):c.488A>G (p.Asn163Ser)

Gene: POMT1 (protein O-mannosyltransferase 1; plus strand). Cytogenetic location: 9q34.13.
Variant type: single nucleotide variant.
Coding change: c.488A>G on transcript NM_001077365.2 (MANE Select); coding-DNA position 488, A replaced by G.
Protein change: p.Asn163Ser; replaces asparagine 163 with serine.
Molecular consequence: missense variant. On other transcripts: non-coding transcript variant (8).
Genome position (GRCh38, 1-based): chr9:131,508,971, A>G. VCF-style: chr9-131508971-A-G. GRCh37 (hg19) VCF-style: chr9-134384358-A-G.
Other names: c.326A>G, p.Asn109Ser (NM_001077366.2, NM_001353194.2, NM_001353197.2 and 3 more transcripts); c.488A>G, p.Asn163Ser (NM_001136113.2, NM_001353193.2, NM_001374690.1 and 1 more transcripts); c.137A>G, p.Asn46Ser (NM_001136114.2, NM_001353195.2, NM_001353199.2 and 2 more transcripts); c.398A>G, p.Asn133Ser (NM_001353196.2); c.32A>G, p.Asn11Ser (NM_001353200.2, NM_001374695.1); short protein forms N163S, N109S, N133S, N46S, N11S.
Identifiers: ClinVar variation 471383 (VCV000471383.16), dbSNP rs182295674, ClinGen allele CA5293287.